The following is an entry in ClinVar:

NM_203447.4(DOCK8):c.1017G>A (p.Pro339=)

Gene: DOCK8 (dedicator of cytokinesis 8; plus strand). Cytogenetic location: 9p24.3.
Variant type: single nucleotide variant.
Coding change: c.1017G>A on transcript NM_203447.4 (MANE Select); coding-DNA position 1017, G replaced by A.
Protein change: p.Pro339=; no amino-acid change (proline 339 retained).
Molecular consequence: synonymous variant.
Genome position (GRCh38, 1-based): chr9:328,144, G>A. VCF-style: chr9-328144-G-A. GRCh37 (hg19) VCF-style: chr9-328144-G-A.
Other names: p.Pro339=; c.813G>A, p.Pro271= (NM_001190458.2, NM_001193536.2).
Identifiers: ClinVar variation 379115 (VCV000379115.36), dbSNP rs35746964, ClinGen allele CA4957563.

ClinVar aggregate classification (germline): Benign/Likely benign. Review status: criteria provided, multiple submitters, no conflicts (2 of 4 stars). 7 submissions from 7 submitters: Benign (4); Likely benign (3). Last evaluated 2026-01-28.

Conditions:
Combined immunodeficiency due to DOCK8 deficiency (HIES2). Also called: HYPER-IgE RECURRENT INFECTION SYNDROME 2, AUTOSOMAL RECESSIVE; HIES autosomal recessive; HYPER-IgE SYNDROME 2, AUTOSOMAL RECESSIVE, WITH RECURRENT INFECTIONS; DOCK8 Deficiency; Hyper-IgE recurrent infection syndrome, autosomal recessive. Identifiers: Orphanet 217390, MedGen C4722305, MONDO:0009478, OMIM 243700.

Allele frequency attached by ClinVar (database versions not stated): gnomAD exomes 0.00036 and 0.00083; ExAC 0.00116; 1000 Genomes Project 30x 0.00172; 1000 Genomes Project 0.00220; ESP Exome Variant Server 0.00323; gnomAD 0.00360 and 0.00395; TOPMed 0.00445.
gnomAD v4.1: 1,096 of 1,614,002 alleles (0.068%); highest among the groups gnomAD compares: African/African-American, 1.3%; 6 homozygotes.

Submissions (7):

Labcorp Genetics (formerly Invitae), Labcorp
Classification: Benign for Combined immunodeficiency due to DOCK8 deficiency. Last evaluated: 2026-01-28. Review status: criteria provided, single submitter. Criteria: Invitae Variant Classification Sherloc (09022015). Collection method: clinical testing. Allele origin: germline.

Blueprint Genetics
Classification: Likely benign. Last evaluated: 2024-10-22. Review status: criteria provided, single submitter. Criteria: ACMG Guidelines, 2015. Collection method: clinical testing. Allele origin: germline.

CeGaT Center for Human Genetics Tuebingen
Classification: Likely benign. Last evaluated: 2024-10-01. Review status: criteria provided, single submitter. Criteria: CeGaT Center For Human Genetics Tuebingen Variant Classification Criteria Version 2. Collection method: clinical testing. Allele origin: germline. Affected: yes. Observed: 1 variant allele.
Comment: DOCK8: BP4, BP7, BS1

Mayo Clinic Laboratories, Mayo Clinic
Classification: Benign. Last evaluated: 2024-05-07. Review status: criteria provided, single submitter. Criteria: ACMG Guidelines, 2015. Collection method: clinical testing. Allele origin: germline. Observed: 5 variant alleles.
Comment: BS1, BS2, BP4, BP7

Genetic Services Laboratory, University of Chicago
Classification: Benign. Last evaluated: 2021-07-29. Review status: criteria provided, single submitter. Criteria: ACMG Guidelines, 2015. Collection method: clinical testing. Allele origin: germline. Affected: no.

GeneDx
Classification: Likely benign. Last evaluated: 2020-12-01. Review status: criteria provided, single submitter. Criteria: GeneDx Variant Classification Process June 2021. Collection method: clinical testing. Allele origin: germline. Affected: yes.

Illumina Laboratory Services, Illumina
Classification: Benign for Combined immunodeficiency due to DOCK8 deficiency. Last evaluated: 2018-01-13. Review status: criteria provided, single submitter. Criteria: ICSL Variant Classification Criteria 13 December 2019. Collection method: clinical testing. Allele origin: germline.
Comment: This variant was observed in the ICSL laboratory as part of a predisposition screen in an ostensibly healthy population. It had not been previously curated by ICSL or reported in the Human Gene Mutation Database (HGMD: prior to June 1st, 2018), and was therefore a candidate for classification through an automated scoring system. Utilizing variant allele frequency, disease prevalence and penetrance estimates, and inheritance mode, an automated score was calculated to assess if this variant is too frequent to cause the disease. Based on the score and internal cut-off values, a variant classified as benign is not then subjected to further curation. The score for this variant resulted in a classification of benign for this disease.